The following is an entry in ClinVar:

ClinVar aggregate classification (germline): Uncertain significance (1 of 4 stars; one submission).

Conditions:
Autosomal dominant polycystic kidney disease. Identifiers: Orphanet 730, MedGen C0085413, MONDO:0004691.

Allele frequency attached by ClinVar (database versions not stated): TOPMed 0.00001.
gnomAD v4.1: 21 of 1,180,918 alleles (0.0018%); highest among the groups gnomAD compares: Non-Finnish European, 0.0022%; no homozygotes.

Submission:

Labcorp Genetics (formerly Invitae), Labcorp
Classification: Uncertain significance for Autosomal dominant polycystic kidney disease. Last evaluated: 2025-08-22. Review status: criteria provided, single submitter. Criteria: Invitae Variant Classification Sherloc (09022015). Collection method: clinical testing. Allele origin: germline.
Comment: This sequence change replaces glycine, which is neutral and non-polar, with arginine, which is basic and polar, at codon 13 of the PKD2 protein (p.Gly13Arg). The frequency data for this variant in the population databases is considered unreliable, as metrics indicate poor data quality at this position in the gnomAD database. This variant has not been reported in the literature in individuals affected with PKD2-related conditions. ClinVar contains an entry for this variant (Variation ID: 2882463). An algorithm developed to predict the effect of missense changes on protein structure and function (PolyPhen-2) suggests that this variant is likely to be disruptive. In summary, the available evidence is currently insufficient to determine the role of this variant in disease. Therefore, it has been classified as a Variant of Uncertain Significance.

NM_000297.4(PKD2):c.37G>C (p.Gly13Arg)

Genes: PKD2 (polycystin 2, transient receptor potential cation channel; plus strand), LOC129992813 (ATAC-STARR-seq lymphoblastoid silent region 15559; plus strand). Cytogenetic location: 4q22.1.
Variant type: single nucleotide variant.
Coding change: c.37G>C on transcript NM_000297.4 (MANE Select); coding-DNA position 37, G replaced by C.
Protein change: p.Gly13Arg; replaces glycine 13 with arginine.
Molecular consequence: missense variant. On other transcripts: non-coding transcript variant (1).
Genome position (GRCh38, 1-based): chr4:88,007,770, G>C. VCF-style: chr4-88007770-G-C. GRCh37 (hg19) VCF-style: chr4-88928922-G-C.
Other names: short protein forms G13R.
Identifiers: ClinVar variation 2882463 (VCV002882463.3), dbSNP rs1228430587, ClinGen allele CA357624878.
Genomic context (GRCh38, chr4:88,007,770, plus strand): 5'-GCGCGCCGGACGCCAGTGACCGCGATGGTGAACTCCAGTCGCGTGCAGCCTCAGCAGCCC[G>C]GGGACGCCAAGCGGCCGCCCGCGCCCCGCGCGCCGGACCCGGGCCGGCTGATGGCTGGCT-3'
Protein context (NP_000288.1, residues 3-23): NSSRVQPQQP[Gly13Arg]DAKRPPAPRA